The following is an entry in ClinVar:

ClinVar aggregate classification (germline): Uncertain significance (1 of 4 stars; one submission).

Conditions:
EMILIN1-related disorder. Also called: EMILIN1-related condition.

Submission:

PreventionGenetics, part of Exact Sciences
Classification: Uncertain significance for EMILIN1-related condition. Last evaluated: 2026-06-24. Review status: criteria provided, single submitter. Criteria: ACMG Guidelines, 2015. Collection method: clinical testing. Allele origin: germline.
Comment: The EMILIN1 c.1096G>C variant is predicted to result in the amino acid substitution p.Glu366Gln. To our knowledge, this variant has not been reported in the literature. This variant is reported in 0.0016% of alleles in individuals of European (Non-Finnish) descent in gnomAD. At this time, the clinical significance of this variant is uncertain due to the absence of conclusive functional and genetic evidence.

NM_007046.4(EMILIN1):c.1096G>C (p.Glu366Gln)

Gene: EMILIN1 (elastin microfibril interfacer 1; plus strand). Cytogenetic location: 2p23.3.
Variant type: single nucleotide variant.
Coding change: c.1096G>C on transcript NM_007046.4 (MANE Select); coding-DNA position 1096, G replaced by C.
Protein change: p.Glu366Gln; replaces glutamic acid 366 with glutamine.
Molecular consequence: missense variant.
Genome position (GRCh38, 1-based): chr2:27,082,667, G>C. VCF-style: chr2-27082667-G-C. GRCh37 (hg19) VCF-style: chr2-27305535-G-C.
Other names: short protein forms E366Q.
Identifiers: ClinVar variation 4998208 (VCV004998208.1).